The following is an entry in ClinVar:

ClinVar aggregate classification (germline): Benign (0 of 4 stars; one submission).

Conditions:
MEF2A-related disorder. Also called: MEF2A-related condition.

Allele frequency attached by ClinVar (database versions not stated): TOPMed 0.87558; 1000 Genomes Project 30x 0.88070; ESP Exome Variant Server 0.88501; 1000 Genomes Project 0.88678; gnomAD 0.89006; ExAC 0.96688; gnomAD exomes 0.98870.
gnomAD v4.1: 1,579,135 of 1,613,008 alleles (98%); highest among the groups gnomAD compares: East Asian, 100%; 778,348 homozygotes.

Submission:

PreventionGenetics, part of Exact Sciences
Classification: Benign for MEF2A-related condition. Last evaluated: 2019-10-28. Review status: no assertion criteria provided. Collection method: clinical testing. Allele origin: germline.
Comment: This variant is classified as benign based on ACMG/AMP sequence variant interpretation guidelines (Richards et al. 2015 PMID: 25741868, with internal and published modifications).

NM_001319206.4(MEF2A):c.891G>A (p.Gln297=)

Gene: MEF2A (myocyte enhancer factor 2A; plus strand). Cytogenetic location: 15q26.3.
Variant type: single nucleotide variant.
Coding change: c.891G>A on transcript NM_001319206.4 (MANE Select); coding-DNA position 891, G replaced by A.
Protein change: p.Gln297=; no amino-acid change (glutamine 297 retained).
Molecular consequence: synonymous variant. On other transcripts: intron variant (1).
Genome position (GRCh38, 1-based): chr15:99,706,737, G>A. VCF-style: chr15-99706737-G-A. GRCh37 (hg19) VCF-style: chr15-100246942-G-A.
Other names: c.867G>A, p.Gln289= (NM_001130926.5, NM_001171894.5, NM_001352614.4 and 15 more transcripts); c.687G>A, p.Gln229= (NM_001130927.5, NM_001365209.3); c.663G>A, p.Gln221= (NM_001130928.4, NM_001393559.2); c.891G>A, p.Gln297= (NM_001352616.4, NM_001365205.3, NM_001400031.1 and 5 more transcripts); c.873G>A, p.Gln291= (NM_001352617.4, NM_001365207.3, NM_001400038.1 and 8 more transcripts); c.885G>A, p.Gln295= (NM_001352618.4, NM_001365206.3, NM_001400037.1); c.909G>A, p.Gln303= (NM_001365201.3, NM_001365202.3); c.897G>A, p.Gln299= (NM_001365203.3, NM_001365204.3, NM_001400029.1 and 1 more transcripts); and 6 more.
Identifiers: ClinVar variation 3059607 (VCV003059607.2), dbSNP rs325407, ClinGen allele CA7755547.
Genomic context (GRCh38, chr15:99,706,737, plus strand): 5'-AGTCAACATAAATACCACATCAGAACACATTTTCTCTTTTTTGATCTCACAGAATACCCA[G>A]AGGATCAGTAGTTCTCAAGCCACTCAACCTCTTGCTACCCCAGTCGTGTCTGTGACAACC-3'
Protein context (NP_001306135.1, residues 287-307): SEEEELELNT[Gln297=]RISSSQATQP